The following is an entry in ClinVar:

ClinVar aggregate classification (germline): Uncertain significance (1 of 4 stars; one submission).

Submission:

Mayo Clinic Laboratories, Mayo Clinic
Classification: Uncertain significance. Last evaluated: 2025-09-28. Review status: criteria provided, single submitter. Criteria: ACMG Guidelines, 2015. Collection method: clinical testing. Allele origin: germline. Observed: 1 variant allele.
Comment: BP4_moderate

NM_002024.6(FMR1):c.1857C>G (p.Asp619Glu)

Gene: FMR1 (fragile X messenger ribonucleoprotein 1; plus strand). Cytogenetic location: Xq27.3.
Variant type: single nucleotide variant.
Coding change: c.1857C>G on transcript NM_002024.6 (MANE Select); coding-DNA position 1857, C replaced by G.
Protein change: p.Asp619Glu; replaces aspartic acid 619 with glutamic acid.
Molecular consequence: missense variant. On other transcripts: non-coding transcript variant (2).
Genome position (GRCh38, 1-based): chrX:147,948,802, C>G. VCF-style: chrX-147948802-C-G. GRCh37 (hg19) VCF-style: chrX-147030322-C-G.
Other names: p.Asp619Glu; c.1586C>G, p.Thr529Arg (NM_001185075.2); c.1794C>G, p.Asp598Glu (NM_001185076.2); c.1523C>G, p.Thr508Arg (NM_001185081.2); c.1719C>G, p.Asp573Glu (NM_001185082.2); short protein forms D573E, T508R, D619E, T529R, D598E.
Identifiers: ClinVar variation 4542504 (VCV004542504.1).